The following is an entry in ClinVar:

NM_004933.3(CDH15):c.2227G>A (p.Gly743Ser)

Gene: CDH15 (cadherin 15; plus strand). Cytogenetic location: 16q24.3.
Variant type: single nucleotide variant.
Coding change: c.2227G>A on transcript NM_004933.3 (MANE Select); coding-DNA position 2227, G replaced by A.
Protein change: p.Gly743Ser; replaces glycine 743 with serine.
Molecular consequence: missense variant.
Genome position (GRCh38, 1-based): chr16:89,194,937, G>A. VCF-style: chr16-89194937-G-A. GRCh37 (hg19) VCF-style: chr16-89261345-G-A.
Other names: short protein forms G743S.
Identifiers: ClinVar variation 422658 (VCV000422658.5), dbSNP rs779382370, ClinGen allele CA8239614.
Genomic context (GRCh38, chr16:89,194,937, plus strand): 5'-GATAGTGACCCCAGTGTGCCGCCTTACGACACAGCCCTCATCTATGACTACGAGGGTGAC[G>A]GCTCGGTGGCGGGGACGCTGAGCTCCATCCTGTCCAGCCAGGGCGATGAGGACCAGGACT-3'
Protein context (NP_004924.1, residues 733-753): TALIYDYEGD[Gly743Ser]SVAGTLSSIL

ClinVar aggregate classification (germline): Uncertain significance. Review status: criteria provided, multiple submitters, no conflicts (2 of 4 stars). 2 submissions from 2 submitters: Uncertain significance (2). Last evaluated 2022-10-14.

Allele frequency attached by ClinVar (database versions not stated): gnomAD exomes 0.00001 and 0.00002; ExAC 0.00002; gnomAD 0.00003; TOPMed 0.00008.
gnomAD v4.1: 26 of 1,608,596 alleles (0.0016%); highest among the groups gnomAD compares: African/African-American, 0.008%; no homozygotes.

Submissions (2):

Revvity Omics, Revvity
Classification: Uncertain significance. Last evaluated: 2022-10-14. Review status: criteria provided, single submitter. Criteria: ACMG Guidelines, 2015. Collection method: clinical testing. Allele origin: germline.

GeneDx
Classification: Uncertain significance. Last evaluated: 2016-11-15. Review status: criteria provided, single submitter. Criteria: GeneDx Variant Classification (06012015). Collection method: clinical testing. Allele origin: germline. Affected: yes.
Comment: The G743S variant has notbeen published as a pathogenic variant, nor has it been reported as a benign variant to our knowledge.It was not observed in approximately 6,500 individuals of European and African American ancestry inthe NHLBI Exome Sequencing Project, indicating it is not a common benign variant in thesepopulations. The G743S variant is a non-conservative amino acid substitution, which is likely toimpact secondary protein structure as these residues differ in polarity, charge, size and/or otherproperties. This substitution occurs at a position that is conserved across species and in silico analysispredicts this variant is probably damaging to the protein structure/function. However, missensevariants in nearby residues have not been reported in the Human Gene Mutation Database inassociation with a CDH15-related disorder (Stenson et al., 2014). Therefore, based on the currentlyavailable information, it is unclear whether this variant is a pathogenic variant or a rare benignvariant.